The following is an entry in ClinVar:

NM_017780.4(CHD7):c.5705A>G (p.Tyr1902Cys)

Gene: CHD7 (chromodomain helicase DNA binding protein 7; plus strand). Cytogenetic location: 8q12.2.
Variant type: single nucleotide variant.
Coding change: c.5705A>G on transcript NM_017780.4 (MANE Select); coding-DNA position 5705, A replaced by G.
Protein change: p.Tyr1902Cys; replaces tyrosine 1902 with cysteine.
Molecular consequence: missense variant. On other transcripts: intron variant (1).
Genome position (GRCh38, 1-based): chr8:60,852,058, A>G. VCF-style: chr8-60852058-A-G. GRCh37 (hg19) VCF-style: chr8-61764617-A-G.
Other names: c.1717-10171A>G (NM_001316690.1); short protein forms Y1902C.
Identifiers: ClinVar variation 2201430 (VCV002201430.4), dbSNP rs2488029316, ClinGen allele CA371322437.

ClinVar aggregate classification (germline): Uncertain significance (1 of 4 stars; one submission).

Conditions:
CHARGE syndrome (CHARGE). Also called: Hittner Hirsch Kreh syndrome; CHARGE ASSOCIATION--COLOBOMA, HEART ANOMALY, CHOANAL ATRESIA, RETARDATION, GENITAL AND EAR ANOMALIES; Coloboma, heart anomaly, choanal atresia, retardation, genital and ear anomalies; CHARGE association; Hall-Hittner syndrome. Identifiers: Orphanet 138, MedGen C0265354, MONDO:0008965.

Submission:

Labcorp Genetics (formerly Invitae), Labcorp
Classification: Uncertain significance for CHARGE syndrome. Last evaluated: 2022-08-19. Review status: criteria provided, single submitter. Criteria: Invitae Variant Classification Sherloc (09022015). Collection method: clinical testing. Allele origin: germline.
Comment: This sequence change replaces tyrosine, which is neutral and polar, with cysteine, which is neutral and slightly polar, at codon 1902 of the CHD7 protein (p.Tyr1902Cys). This variant is not present in population databases (gnomAD no frequency). This variant has not been reported in the literature in individuals affected with CHD7-related conditions. Advanced modeling of protein sequence and biophysical properties (such as structural, functional, and spatial information, amino acid conservation, physicochemical variation, residue mobility, and thermodynamic stability) performed at Invitae indicates that this missense variant is not expected to disrupt CHD7 protein function. In summary, the available evidence is currently insufficient to determine the role of this variant in disease. Therefore, it has been classified as a Variant of Uncertain Significance.